The following is an entry in ClinVar:

NM_004304.5(ALK):c.1842G>T (p.Trp614Cys)

Gene: ALK (ALK receptor tyrosine kinase; minus strand). Cytogenetic location: 2p23.2.
Variant type: single nucleotide variant.
Coding change: c.1842G>T on transcript NM_004304.5 (MANE Select); coding-DNA position 1842, G replaced by T.
Protein change: p.Trp614Cys; replaces tryptophan 614 with cysteine.
Molecular consequence: missense variant.
Genome position (GRCh38, 1-based): chr2:29,275,472, C>A on the plus strand (G>T on the coding strand, the complement: ALK is on the minus strand). VCF-style: chr2-29275472-C-A. GRCh37 (hg19) VCF-style: chr2-29498338-C-A.
Other names: short protein forms W614C.
Identifiers: ClinVar variation 5035255 (VCV005035255.1).
Genomic context (GRCh38, chr2:29,275,472, plus strand): 5'-GCAGTCCAGGCTGATGGAGATATTGTCAAAAGCCACGATGGCTCTGGATCCTTGTCCCCA[C>A]CATGCGACCATCTGCAGCCAGAACCTGTACACATCAAGAGGAATGTGTGTGAGGAGCAAA-3'
Protein context (NP_004295.2, residues 604-624): SDRFWLQMVA[Trp614Cys]WGQGSRAIVA

ClinVar aggregate classification (germline): Uncertain significance (1 of 4 stars; one submission).

Conditions:
Hereditary cancer-predisposing syndrome. Also called: Hereditary Cancer Syndrome; Neoplastic Syndromes, Hereditary; Tumor predisposition; Hereditary neoplastic syndrome. Identifiers: Orphanet 140162, MedGen C0027672, MeSH D009386, MONDO:0015356.

Submission:

Ambry Genetics
Classification: Uncertain significance for Hereditary cancer-predisposing syndrome. Last evaluated: 2026-07-16. Review status: criteria provided, single submitter. Criteria: Ambry Variant Classification Scheme 2023. Collection method: clinical testing. Allele origin: germline.
Comment: The p.W614C variant (also known as c.1842G>T), located in coding exon 10 of the ALK gene, results from a G to T substitution at nucleotide position 1842. The tryptophan at codon 614 is replaced by cysteine, an amino acid with highly dissimilar properties. This amino acid position is conserved. In addition, the in silico prediction for this alteration is inconclusive. Based on the available evidence, the clinical significance of this variant remains unclear.